The following is an entry in ClinVar:

NM_001244008.2(KIF1A):c.2926G>A (p.Glu976Lys)

Gene: KIF1A (kinesin family member 1A; minus strand). Cytogenetic location: 2q37.3.
Variant type: single nucleotide variant.
Coding change: c.2926G>A on transcript NM_001244008.2 (MANE Select); coding-DNA position 2926, G replaced by A.
Protein change: p.Glu976Lys; replaces glutamic acid 976 with lysine.
Molecular consequence: missense variant.
Genome position (GRCh38, 1-based): chr2:240,750,480, C>T on the plus strand (G>A on the coding strand, the complement: KIF1A is on the minus strand). VCF-style: chr2-240750480-C-T. GRCh37 (hg19) VCF-style: chr2-241689897-C-T.
Other names: c.2650G>A, p.Glu884Lys (NM_001320705.2, NM_001330289.2, NM_001379638.1); c.2725G>A, p.Glu909Lys (NM_001330290.2, NM_001379634.1, NM_001379635.1 and 1 more transcripts); c.3001G>A, p.Glu1001Lys (NM_001379631.1); c.2875G>A, p.Glu959Lys (NM_001379632.1); c.2899G>A, p.Glu967Lys (NM_001379633.1, NM_001379642.1, NM_001379645.1); c.2623G>A, p.Glu875Lys (NM_001379636.1, NM_001379639.1, NM_001379640.1 and 6 more transcripts); c.2698G>A, p.Glu900Lys (NM_001379637.1, NM_001379648.1); short protein forms E875K, E900K, E1001K, E884K, E909K, E959K, E967K, E976K.
Identifiers: ClinVar variation 1434363 (VCV001434363.10), dbSNP rs1488991591, ClinGen allele CA351320047.
Genomic context (GRCh38, chr2:240,750,480, plus strand): 5'-CACACGCACCTGAGATGGCCTGGACGGCCACGCGGAGGAAGCCCTTCACCTCGCCCTTCT[C>T]GCTGACGATTGCCACACGGTGTACCAGGGGAACGGGGTACAGCAGGTTGCTCAGGTACAC-3'
Protein context (NP_001230937.1, residues 966-986): PLVHRVAIVS[Glu976Lys]KGEVKGFLRV

ClinVar aggregate classification (germline): Uncertain significance (1 of 4 stars; one submission).

Conditions:
Hereditary spastic paraplegia 30. Identifiers: Orphanet 101010, MedGen C5235139, MONDO:0012476.
Neuropathy, hereditary sensory, type 2C. Also called: Hereditary sensory and autonomic neuropathy type IIC; KIF1A-Related HSAN2 (HSAN2C). Identifiers: Orphanet 970, MedGen C3280168, MONDO:0013634, OMIM 614213.
Intellectual disability, autosomal dominant 9 (NESCAVS). Also called: NESCAV SYNDROME; KIF1A-Related Neurodevelopmental Disorder. Identifiers: Orphanet 662367, MedGen C5393830, MONDO:0013656, OMIM 614255.

Allele frequency attached by ClinVar (database versions not stated): gnomAD exomes below 0.00001.
gnomAD v4.1: 5 of 1,613,932 alleles (0.00031%); highest among the groups gnomAD compares: South Asian, 0.0011%; no homozygotes.

Submission:

Labcorp Genetics (formerly Invitae), Labcorp
Classification: Uncertain significance for Hereditary spastic paraplegia 30; Neuropathy, hereditary sensory, type 2C; Intellectual disability, autosomal dominant 9. Last evaluated: 2021-07-22. Review status: criteria provided, single submitter. Criteria: Invitae Variant Classification Sherloc (09022015). Collection method: clinical testing. Allele origin: germline.
Comment: This variant has not been reported in the literature in individuals affected with KIF1A-related conditions. Algorithms developed to predict the effect of missense changes on protein structure and function are either unavailable or do not agree on the potential impact of this missense change (SIFT: "Deleterious"; PolyPhen-2: "Possibly Damaging"; Align-GVGD: "Class C15"). This variant is not present in population databases (ExAC no frequency). This sequence change replaces glutamic acid with lysine at codon 875 of the KIF1A protein (p.Glu875Lys). The glutamic acid residue is highly conserved and there is a small physicochemical difference between glutamic acid and lysine. In summary, the available evidence is currently insufficient to determine the role of this variant in disease. Therefore, it has been classified as a Variant of Uncertain Significance.